The following is an entry in ClinVar:

NM_000368.5(TSC1):c.*1507G>A

Gene: TSC1 (TSC complex subunit 1; minus strand). Cytogenetic location: 9q34.13.
Variant type: single nucleotide variant.
Coding change: c.*1507G>A on transcript NM_000368.5 (MANE Select); 1507 bases downstream of the stop codon, G replaced by A.
Molecular consequence: 3 prime UTR variant.
Genome position (GRCh38, 1-based): chr9:132,894,728, C>T on the plus strand (G>A on the coding strand, the complement: TSC1 is on the minus strand). VCF-style: chr9-132894728-C-T. GRCh37 (hg19) VCF-style: chr9-135770115-C-T.
Other names: c.*1507G>A (NM_001162426.2, NM_001162427.2, NM_001362177.2).
Identifiers: ClinVar variation 365476 (VCV000365476.6), dbSNP rs739441, ClinGen allele CA10632996.
Genomic context (GRCh38, chr9:132,894,728, plus strand): 5'-GATGCTAGAATATTTATTGCCATGCTAAAAAAAAAAAAAAAAAAAAAAGACTTTCATTCT[C>T]TCTGCTCGAGGCCTCCGTGGGCACTAAGATTTCGTACCGTGACAGTTTTTTACCTCTTTA-3'

ClinVar aggregate classification (germline): Benign. Review status: criteria provided, multiple submitters, no conflicts (2 of 4 stars). 3 submissions from 2 submitters: Benign (3). Last evaluated 2018-01-13.

Conditions:
Isolated focal cortical dysplasia type II (FCORD2). Also called: CORTICAL DYSPLASIA OF TAYLOR; Focal cortical dysplasia type II. Identifiers: Orphanet 268994, MedGen C1846385, MONDO:0011818, OMIM 607341, HP:0032051.
Tuberous sclerosis 1 (TSC1). Identifiers: Orphanet 805, MedGen C1854465, MONDO:0008612, OMIM 191100.

Allele frequency attached by ClinVar (database versions not stated): TOPMed 0.75911; 1000 Genomes Project 30x 0.77061; 1000 Genomes Project 0.77336; gnomAD exomes 0.79917.
gnomAD v4.1: 161,330 of 206,350 alleles (78%); highest among the groups gnomAD compares: South Asian, 83%; 63,575 homozygotes.

Submissions (3):

Illumina Laboratory Services, Illumina
Classification: Benign for Tuberous sclerosis 1. Last evaluated: 2018-01-13. Review status: criteria provided, single submitter. Criteria: ICSL Variant Classification Criteria 13 December 2019. Collection method: clinical testing. Allele origin: germline.
Comment: This variant was observed in the ICSL laboratory as part of a predisposition screen in an ostensibly healthy population. It had not been previously curated by ICSL or reported in the Human Gene Mutation Database (HGMD: prior to June 1st, 2018), and was therefore a candidate for classification through an automated scoring system. Utilizing variant allele frequency, disease prevalence and penetrance estimates, and inheritance mode, an automated score was calculated to assess if this variant is too frequent to cause the disease. Based on the score and internal cut-off values, a variant classified as benign is not then subjected to further curation. The score for this variant resulted in a classification of benign for this disease.

Illumina Laboratory Services, Illumina
Classification: Benign for Isolated focal cortical dysplasia type II. Last evaluated: 2018-01-13. Review status: criteria provided, single submitter. Criteria: ICSL Variant Classification Criteria 13 December 2019. Collection method: clinical testing. Allele origin: germline.
Comment: the same text as in the submission from Illumina Laboratory Services, Illumina above.

Breakthrough Genomics
Classification: Benign. Review status: criteria provided, single submitter. Criteria: ACMG Guidelines, 2015. Collection method: not provided. Allele origin: germline. Inheritance: Autosomal dominant inheritance. Affected: yes.